The following is an entry in ClinVar:

ClinVar aggregate classification (germline): Uncertain significance (1 of 4 stars; one submission).

Conditions:
PURA-related severe neonatal hypotonia-seizures-encephalopathy syndrome (NEDRIHF). Also called: PURA-Related Neurodevelopmental Disorders; NEURODEVELOPMENTAL DISORDER WITH NEONATAL RESPIRATORY INSUFFICIENCY, HYPOTONIA, AND FEEDING DIFFICULTIES. Identifiers: Orphanet 438213, Orphanet 438216, MedGen C4015357, MONDO:1060108, OMIM 616158, MONDO:0018580.

Submission:

Labcorp Genetics (formerly Invitae), Labcorp
Classification: Uncertain significance for PURA-related severe neonatal hypotonia-seizures-encephalopathy syndrome. Last evaluated: 2022-08-16. Review status: criteria provided, single submitter. Criteria: Invitae Variant Classification Sherloc (09022015). Collection method: clinical testing. Allele origin: germline.
Comment: This variant, c.956_964del, results in the deletion of 3 amino acid(s) of the PURA protein (p.Gly319_Glu321del), but otherwise preserves the integrity of the reading frame. This variant is not present in population databases (gnomAD no frequency). This variant has not been reported in the literature in individuals affected with PURA-related conditions. ClinVar contains an entry for this variant (Variation ID: 1469014). Experimental studies and prediction algorithms are not available or were not evaluated, and the functional significance of this variant is currently unknown. In summary, the available evidence is currently insufficient to determine the role of this variant in disease. Therefore, it has been classified as a Variant of Uncertain Significance.

NM_005859.5(PURA):c.956_964del (p.Gly319_Glu321del)

Gene: PURA (purine rich element binding protein A; plus strand). Cytogenetic location: 5q31.3.
Variant type: Deletion.
Coding change: c.956_964del on transcript NM_005859.5 (MANE Select); coding-DNA positions 956 to 964, 9 bases deleted (GGGAAGAAG; older notation c.956_964delGGGAAGAAG).
Protein change: p.Gly319_Glu321del.
Molecular consequence: inframe deletion.
Genome position (GRCh38, 1-based): chr5:140,115,137-140,115,145, GGGAAGAAG deleted; deleting any 9 consecutive bases within chr5:140,115,129-140,115,145 gives the same sequence; the c. name uses the placement nearest the transcript's 3' end. VCF-style (leftmost placement, unchanged base first): chr5-140115128-AGGAAGAAGG-A. GRCh37 (hg19) VCF-style: chr5-139494713-AGGAAGAAGG-A.
Identifiers: ClinVar variation 1469014 (VCV001469014.8), dbSNP rs2126749514, ClinGen allele CA2573139229.